The following is an entry in ClinVar:

ClinVar aggregate classification (germline): Uncertain significance. Review status: criteria provided, multiple submitters, no conflicts (2 of 4 stars). 3 submissions from 3 submitters: Uncertain significance (3). Last evaluated 2026-06-16.

Conditions:
PDE6A-related disorder. Also called: PDE6A-related condition.
Inborn genetic diseases. Identifiers: MedGen C0950123, MeSH D030342.

Allele frequency attached by ClinVar (database versions not stated): TOPMed 0.00002; gnomAD 0.00003.
gnomAD v4.1: 42 of 1,613,968 alleles (0.0026%); highest among the groups gnomAD compares: Non-Finnish European, 0.0035%; no homozygotes.

Submissions (3):

PreventionGenetics, part of Exact Sciences
Classification: Uncertain significance for PDE6A-related condition. Last evaluated: 2026-06-16. Review status: criteria provided, single submitter. Criteria: ACMG Guidelines, 2015. Collection method: clinical testing. Allele origin: germline.
Comment: The PDE6A c.770G>A variant is predicted to result in the amino acid substitution p.Arg257Gln. To our knowledge, this variant has not been reported in the literature. This variant is reported in 0.0015% of alleles in individuals of European (Non-Finnish) descent in gnomAD. At this time, the clinical significance of this variant is uncertain due to the absence of conclusive functional and genetic evidence.

Ambry Genetics
Classification: Uncertain significance for Inborn genetic diseases. Last evaluated: 2023-03-21. Review status: criteria provided, single submitter. Criteria: Ambry Variant Classification Scheme 2023. Collection method: clinical testing. Allele origin: germline.

Blueprint Genetics
Classification: Uncertain significance. Last evaluated: 2022-05-03. Review status: criteria provided, single submitter. Criteria: ACMG Guidelines, 2015. Collection method: clinical testing. Allele origin: germline.

NM_000440.3(PDE6A):c.770G>A (p.Arg257Gln)

Gene: PDE6A (phosphodiesterase 6A; minus strand). Cytogenetic location: 5q32.
Variant type: single nucleotide variant.
Coding change: c.770G>A on transcript NM_000440.3 (MANE Select); coding-DNA position 770, G replaced by A.
Protein change: p.Arg257Gln; replaces arginine 257 with glutamine.
Molecular consequence: missense variant.
Genome position (GRCh38, 1-based): chr5:149,931,116, C>T on the plus strand (G>A on the coding strand, the complement: PDE6A is on the minus strand). VCF-style: chr5-149931116-C-T. GRCh37 (hg19) VCF-style: chr5-149310679-C-T.
Other names: c.527G>A, p.Arg176Gln (NM_001410788.1); short protein forms R257Q, R176Q.
Identifiers: ClinVar variation 2561034 (VCV002561034.4), dbSNP rs1423315104, ClinGen allele CA361696566.